The following is an entry in ClinVar:

ClinVar aggregate classification (germline): Uncertain significance (1 of 4 stars; one submission).

Submission:

Labcorp Genetics (formerly Invitae), Labcorp
Classification: Uncertain significance. Last evaluated: 2025-08-11. Review status: criteria provided, single submitter. Criteria: Invitae Variant Classification Sherloc (09022015). Collection method: clinical testing. Allele origin: germline.
Comment: This variant, c.743_745del, results in the deletion of 1 amino acid(s) of the RFWD3 protein (p.Ala248del), but otherwise preserves the integrity of the reading frame. This variant is present in population databases (rs766203008, gnomAD 0.003%). This variant has not been reported in the literature in individuals affected with RFWD3-related conditions. Experimental studies and prediction algorithms are not available or were not evaluated, and the functional significance of this variant is currently unknown. In summary, the available evidence is currently insufficient to determine the role of this variant in disease. Therefore, it has been classified as a Variant of Uncertain Significance.

NM_018124.4(RFWD3):c.740CAG[1] (p.Ala248del)

Gene: RFWD3 (ring finger and WD repeat domain 3; minus strand). Cytogenetic location: 16q23.1.
Variant type: Microsatellite.
Coding change: c.740CAG[1] on transcript NM_018124.4 (MANE Select); one copy of the 3-base unit CAG starting at c.740; the reference has two copies in a row; one copy, 3 bases deleted.
Protein change: p.Ala248del; deletes alanine 248.
Molecular consequence: inframe deletion. On other transcripts: 5 prime UTR variant (3), intron variant (2).
Genome position (GRCh38, 1-based): chr16:74,649,179-74,649,181, CTG deleted on the plus strand (CAG on the coding strand, the reverse complement: RFWD3 is on the minus strand); deleting any 3 consecutive bases within chr16:74,649,179-74,649,184 gives the same sequence; the position shown is the placement nearest the transcript's 3' end. VCF-style (leftmost placement, unchanged base first): chr16-74649178-TCTG-T. GRCh37 (hg19) VCF-style: chr16-74683076-TCTG-T.
Other names: c.740CAG[1], p.Ala248del (NM_001370534.1, NM_001370535.1, NM_001370536.1); c.-269CAG[1] (NM_001370537.1); c.-95CAG[1] (NM_001370539.1, NM_001370540.1); c.-95_-93CAG[1] (NM_001370541.1); c.-43+2739_-43+2741del (NM_001370543.1); c.-164-103_-164-101del (NM_001370542.1); short protein forms A248del.
Identifiers: ClinVar variation 2066990 (VCV002066990.4), dbSNP rs766203008, ClinGen allele CA8169460.